The following is an entry in ClinVar:

NM_012188.5(FOXI1):c.557G>A (p.Arg186His)

Gene: FOXI1 (forkhead box I1; plus strand). Cytogenetic location: 5q35.1.
Variant type: single nucleotide variant.
Coding change: c.557G>A on transcript NM_012188.5 (MANE Select); coding-DNA position 557, G replaced by A.
Protein change: p.Arg186His; replaces arginine 186 with histidine.
Molecular consequence: missense variant.
Genome position (GRCh38, 1-based): chr5:170,106,514, G>A. VCF-style: chr5-170106514-G-A. GRCh37 (hg19) VCF-style: chr5-169533518-G-A.
Other names: c.557G>A, p.Arg186His (NM_144769.4); short protein forms R186H.
Identifiers: ClinVar variation 2119477 (VCV002119477.4), dbSNP rs1264885315, ClinGen allele CA362126092.

ClinVar aggregate classification (germline): Uncertain significance (1 of 4 stars; one submission).

gnomAD v4.1: 6 of 1,614,246 alleles (0.00037%); highest among the groups gnomAD compares: Non-Finnish European, 0.00042%; no homozygotes.

Submission:

Labcorp Genetics (formerly Invitae), Labcorp
Classification: Uncertain significance. Last evaluated: 2024-10-16. Review status: criteria provided, single submitter. Criteria: Invitae Variant Classification Sherloc (09022015). Collection method: clinical testing. Allele origin: germline.
Comment: This sequence change replaces arginine, which is basic and polar, with histidine, which is basic and polar, at codon 186 of the FOXI1 protein (p.Arg186His). This variant is present in population databases (no rsID available, gnomAD 0.0009%). This variant has not been reported in the literature in individuals affected with FOXI1-related conditions. ClinVar contains an entry for this variant (Variation ID: 2119477). Invitae Evidence Modeling of protein sequence and biophysical properties (such as structural, functional, and spatial information, amino acid conservation, physicochemical variation, residue mobility, and thermodynamic stability) indicates that this missense variant is expected to disrupt FOXI1 protein function with a positive predictive value of 80%. In summary, the available evidence is currently insufficient to determine the role of this variant in disease. Therefore, it has been classified as a Variant of Uncertain Significance.